The following is an entry in ClinVar:

NM_022552.5(DNMT3A):c.364G>C (p.Ala122Pro)

Gene: DNMT3A (DNA methyltransferase 3 alpha; minus strand). Cytogenetic location: 2p23.3.
Variant type: single nucleotide variant.
Coding change: c.364G>C on transcript NM_022552.5 (MANE Select); coding-DNA position 364, G replaced by C.
Protein change: p.Ala122Pro; replaces alanine 122 with proline.
Molecular consequence: missense variant. On other transcripts: non-coding transcript variant (1).
Genome position (GRCh38, 1-based): chr2:25,282,525, C>G on the plus strand (G>C on the coding strand, the complement: DNMT3A is on the minus strand). VCF-style: chr2-25282525-C-G. GRCh37 (hg19) VCF-style: chr2-25505394-C-G.
Other names: c.364G>C, p.Ala122Pro (NM_001320892.2, NM_175629.2, NM_175630.1); short protein forms A122P.
Identifiers: ClinVar variation 3602601 (VCV003602601.1).

ClinVar aggregate classification (germline): Uncertain significance (1 of 4 stars; one submission).

Conditions:
Tatton-Brown-Rahman overgrowth syndrome. Also called: Tall stature-intellectual disability-facial dysmorphism syndrome; Tatton-Brown-Rahman syndrome. Identifiers: Orphanet 404443, MedGen C4014545, MONDO:0014382, OMIM 615879.

Submission:

Clinical Genomics Laboratory, Washington University in St. Louis
Classification: Uncertain significance for Tatton-Brown-Rahman overgrowth syndrome. Last evaluated: 2023-08-09. Review status: criteria provided, single submitter. Criteria: ACMG Guidelines, 2015. Collection method: clinical testing. Allele origin: germline.
Comment: The DNMT3A c.364G>C (p.Ala122Pro) variant has not been reported in the medical literature to our knowledge. This variant is absent from the general population (gnomAD v.2.1.1), indicating it is not a common variant. Computational predictors are uncertain/conflicting as to the impact of this variant on DNTM3A protein function. Due to limited information, and based on ACMG/AMP guidelines for variant interpretation (Richards S et al., PMID: 25741868), the clinical significance of this variant is uncertain at this time.